The following is an entry in ClinVar:

NM_000921.5(PDE3A):c.1346G>A (p.Gly449Asp)

Gene: PDE3A (phosphodiesterase 3A; plus strand). Cytogenetic location: 12p12.2.
Variant type: single nucleotide variant.
Coding change: c.1346G>A on transcript NM_000921.5 (MANE Select); coding-DNA position 1346, G replaced by A.
Protein change: p.Gly449Asp; replaces glycine 449 with aspartic acid.
Molecular consequence: missense variant.
Genome position (GRCh38, 1-based): chr12:20,616,306, G>A. VCF-style: chr12-20616306-G-A. GRCh37 (hg19) VCF-style: chr12-20769240-G-A.
Other names: c.380G>A, p.Gly127Asp (NM_001244683.2, NM_001378409.1); c.1346G>A, p.Gly449Asp (NM_001378407.1); c.383G>A, p.Gly128Asp (NM_001378408.1); short protein forms G127D, G128D, G449D.
Identifiers: ClinVar variation 977321 (VCV000977321.5), dbSNP rs794726868, ClinGen allele CA384072420.

ClinVar aggregate classification (germline): Pathogenic. Review status: criteria provided, single submitter (1 of 4 stars). 2 submissions from 2 submitters: Pathogenic (1). 1 of the submissions does not count toward it. Last evaluated 2023-08-14.

Conditions:
Brachydactyly-arterial hypertension syndrome. Also called: BILGINTURAN SYNDROME. Identifiers: Orphanet 1276, MedGen C1862170, MONDO:0007211, OMIM 112410.

Submissions (2):

Labcorp Genetics (formerly Invitae), Labcorp
Classification: Pathogenic. Last evaluated: 2023-08-14. Review status: criteria provided, single submitter. Criteria: Invitae Variant Classification Sherloc (09022015). Collection method: clinical testing. Allele origin: germline.
Comment: This sequence change replaces glycine, which is neutral and non-polar, with aspartic acid, which is acidic and polar, at codon 449 of the PDE3A protein (p.Gly449Asp). This variant is not present in population databases (gnomAD no frequency). This missense change has been observed in individual(s) with hypertension and brachydactyly syndrome (PMID: 29758562, 31549136, 32631253). In at least one individual the variant was observed to be de novo. ClinVar contains an entry for this variant (Variation ID: 977321). An algorithm developed to predict the effect of missense changes on protein structure and function (PolyPhen-2) suggests that this variant is likely to be disruptive. This variant disrupts the p.Gly449 amino acid residue in PDE3A. Other variant(s) that disrupt this residue have been determined to be pathogenic (PMID: 25961942). This suggests that this residue is clinically significant, and that variants that disrupt this residue are likely to be disease-causing. For these reasons, this variant has been classified as Pathogenic.

Department of Respiratory and Critical Care Medicine, Tongji Hospital, Tongji Medical College, Huazhong University of Science and Technology
Classification: Pathogenic for Brachydactyly-arterial hypertension syndrome. Last evaluated: 2020-06-01. Review status: no assertion criteria provided. Collection method: clinical testing. Allele origin: germline. Affected: yes. Not counted in ClinVar's aggregate classification.

Literature cited by the submitters: PubMed 29758562 (cited by Labcorp Genetics (formerly Invitae), Labcorp); PubMed 31549136 (cited by Labcorp Genetics (formerly Invitae), Labcorp); PubMed 32631253 (cited by Labcorp Genetics (formerly Invitae), Labcorp); PubMed 25961942 (cited by Labcorp Genetics (formerly Invitae), Labcorp).